The following is an entry in ClinVar:

NM_201384.3(PLEC):c.2740-3del

Gene: PLEC (plectin; minus strand). Cytogenetic location: 8q24.3.
Variant type: Deletion.
Coding change: c.2740-3del on transcript NM_201384.3 (MANE Select); 3 bases into the intron before coding-DNA position 2740, one base deleted (C; older notation c.2740-3delC).
Molecular consequence: intron variant.
Genome position (GRCh38, 1-based): chr8:143,929,832, G deleted on the plus strand (C on the coding strand, the reverse complement: PLEC is on the minus strand); the first of 5 consecutive G bases (chr8:143,929,832-143,929,836); deleting any one gives the same sequence. VCF-style (leftmost placement, unchanged base first): chr8-143929831-TG-T. GRCh37 (hg19) VCF-style: chr8-145003999-TG-T.
Other names: c.2821-3del (NM_000445.5); c.2698-3del (NM_201378.4); c.2674-3del (NM_201379.3); c.3151-3del (NM_201380.4); c.2644-3del (NM_201381.3); c.2740-3del (NM_201382.4); c.2752-3del (NM_201383.3).
Identifiers: ClinVar variation 1000855 (VCV001000855.5), dbSNP rs1826577847, ClinGen allele CA1826049111.
Genomic context (GRCh38, chr8:143,929,831, plus strand): 5'-TAGTGCAGCTCCAGGCTGTGCAGGGCTTGGCGCTGCTCCTCTGGCTTCAGGGTGCGGAAC[TG>T]GGGGAAGCACGTGGGGCTGAGTGCCGGGCGAGGCGGCCGTGCCCTGCACAACGCCTCTCC-3'

ClinVar aggregate classification (germline): Uncertain significance (1 of 4 stars; one submission).

Conditions:
Epidermolysis bullosa simplex 5B, with muscular dystrophy (EBS5B). Also called: Epidermolysis bullosa simplex with muscular dystrophy; EPIDERMOLYSIS BULLOSA SIMPLEX AND LIMB-GIRDLE MUSCULAR DYSTROPHY. Identifiers: Orphanet 257, MedGen C2931072, MONDO:0009181, OMIM 226670.
Epidermolysis bullosa simplex, Ogna type (EBS5A). Also called: Pidermolysis bullosa simplex 5A, Ogna type; EPIDERMOLYSIS BULLOSA SIMPLEX 5A, OGNA TYPE. Identifiers: Orphanet 79401, MedGen C0432317, MONDO:0007555, OMIM 131950.
Epidermolysis bullosa simplex 5C, with pyloric atresia (EBS5C). Also called: PLEC-Related Epidermolysis Bullosa with Pyloric Atresia; Epidermolysis bullosa simplex with pyloric atresia; PLEC1-Related Epidermolysis Bullosa with Pyloric Atresia. Identifiers: Orphanet 158684, MedGen C2677349, MONDO:0012807, OMIM 612138.
Autosomal recessive limb-girdle muscular dystrophy type 2Q (LGMDR17). Also called: MUSCULAR DYSTROPHY, LIMB-GIRDLE, AUTOSOMAL RECESSIVE 17. Identifiers: Orphanet 254361, MedGen C3150989, MONDO:0013390, OMIM 613723.
Epidermolysis bullosa simplex with nail dystrophy (EBS5D). Identifiers: MedGen C4225309, MONDO:0014661, OMIM 616487.

Submission:

Labcorp Genetics (formerly Invitae), Labcorp
Classification: Uncertain significance for Autosomal recessive limb-girdle muscular dystrophy type 2Q; Epidermolysis bullosa simplex, Ogna type; Epidermolysis bullosa simplex with nail dystrophy; Epidermolysis bullosa simplex 5C, with pyloric atresia; Epidermolysis bullosa simplex 5B, with muscular dystrophy. Last evaluated: 2020-03-01. Review status: criteria provided, single submitter. Criteria: Invitae Variant Classification Sherloc (09022015). Collection method: clinical testing. Allele origin: germline.
Comment: This sequence change falls in intron 23 of the PLEC gene. It does not directly change the encoded amino acid sequence of the PLEC protein, but it affects a nucleotide within the consensus splice site of the intron. This variant is not present in population databases (ExAC no frequency). This variant has not been reported in the literature in individuals with PLEC-related conditions. Nucleotide substitutions within the consensus splice site are a relatively common cause of aberrant splicing (PMID: 17576681, 9536098). Algorithms developed to predict the effect of sequence changes on RNA splicing suggest that this variant may disrupt the consensus splice site, but this prediction has not been confirmed by published transcriptional studies. In summary, the available evidence is currently insufficient to determine the role of this variant in disease. Therefore, it has been classified as a Variant of Uncertain Significance.

Literature cited by the submitters: PubMed 17576681; PubMed 9536098.